The following is an entry in ClinVar:

ClinVar aggregate classification (germline): Pathogenic (1 of 4 stars; one submission).

Submission:

Labcorp Genetics (formerly Invitae), Labcorp
Classification: Pathogenic. Last evaluated: 2023-10-13. Review status: criteria provided, single submitter. Criteria: Invitae Variant Classification Sherloc (09022015). Collection method: clinical testing. Allele origin: germline.
Comment: This sequence change creates a premature translational stop signal (p.Asn19Metfs*34) in the VAC14 gene. It is expected to result in an absent or disrupted protein product. Loss-of-function variants in VAC14 are known to be pathogenic (PMID: 17956977, 28635952). This variant is not present in population databases (gnomAD no frequency). This variant has not been reported in the literature in individuals affected with VAC14-related conditions. For these reasons, this variant has been classified as Pathogenic.

Literature cited by the submitters: PubMed 17956977; PubMed 28635952.

NM_018052.5(VAC14):c.56del (p.Asn19fs)

Gene: VAC14 (VAC14 component of PIKFYVE complex; minus strand). Cytogenetic location: 16q22.2.
Variant type: Deletion.
Coding change: c.56del on transcript NM_018052.5 (MANE Select); coding-DNA position 56, one base deleted (A; older notation c.56delA).
Protein change: p.Asn19fs; shifts the reading frame from asparagine 19.
Molecular consequence: frameshift variant. On other transcripts: 5 prime UTR variant (1).
Genome position (GRCh38, 1-based): chr16:70,800,845, T deleted on the plus strand (A on the coding strand, the reverse complement: VAC14 is on the minus strand); the first of 2 consecutive T bases (chr16:70,800,845-70,800,846); deleting either gives the same sequence. VCF-style (leftmost placement, unchanged base first): chr16-70800844-AT-A. GRCh37 (hg19) VCF-style: chr16-70834747-AT-A.
Other names: c.-496del (NM_001351157.2); short protein forms N19fs.
Identifiers: ClinVar variation 2767639 (VCV002767639.3), dbSNP rs2507815078, ClinGen allele CA2697555936.